The following is an entry in ClinVar:

ClinVar aggregate classification (germline): Uncertain significance (1 of 4 stars; one submission).

Allele frequency attached by ClinVar (database versions not stated): gnomAD 0.00001; TOPMed 0.00002.
gnomAD v4.1: 5 of 1,603,664 alleles (0.00031%); highest among the groups gnomAD compares: Middle Eastern, 0.016%; no homozygotes.

Submission:

Labcorp Genetics (formerly Invitae), Labcorp
Classification: Uncertain significance. Last evaluated: 2022-08-20. Review status: criteria provided, single submitter. Criteria: Invitae Variant Classification Sherloc (09022015). Collection method: clinical testing. Allele origin: germline.
Comment: This sequence change replaces glycine, which is neutral and non-polar, with aspartic acid, which is acidic and polar, at codon 335 of the RHOBTB2 protein (p.Gly335Asp). This variant is present in population databases (no rsID available, gnomAD 0.0008%). This variant has not been reported in the literature in individuals affected with RHOBTB2-related conditions. Algorithms developed to predict the effect of missense changes on protein structure and function output the following: SIFT: "Tolerated"; PolyPhen-2: "Benign"; Align-GVGD: "Class C0". The aspartic acid amino acid residue is found in multiple mammalian species, which suggests that this missense change does not adversely affect protein function. In summary, the available evidence is currently insufficient to determine the role of this variant in disease. Therefore, it has been classified as a Variant of Uncertain Significance.

NM_015178.3(RHOBTB2):c.938G>A (p.Gly313Asp)

Gene: RHOBTB2 (Rho related BTB domain containing 2; plus strand). Cytogenetic location: 8p21.3.
Variant type: single nucleotide variant.
Coding change: c.938G>A on transcript NM_015178.3 (MANE Select); coding-DNA position 938, G replaced by A.
Protein change: p.Gly313Asp; replaces glycine 313 with aspartic acid.
Molecular consequence: missense variant.
Genome position (GRCh38, 1-based): chr8:23,007,183, G>A. VCF-style: chr8-23007183-G-A. GRCh37 (hg19) VCF-style: chr8-22864696-G-A.
Other names: c.1004G>A, p.Gly335Asp (NM_001160036.2); c.959G>A, p.Gly320Asp (NM_001160037.2); c.938G>A, p.Gly313Asp (NM_001374791.1); short protein forms G313D, G320D, G335D.
Identifiers: ClinVar variation 1715879 (VCV001715879.5), dbSNP rs939187701, ClinGen allele CA173877103.
Genomic context (GRCh38, chr8:23,007,183, plus strand): 5'-ATGACCTGTTCCTCATGGACCTGAGTGAGGGGGAGCTGGGGGGCCCCTCGGAGCCAGGGG[G>A]CACCCACCCAGAGGACCACCAGGGCCACTCTGATCAACACCACCACCATCACCACCACCA-3'
Protein context (NP_055993.2, residues 303-323): GELGGPSEPG[Gly313Asp]THPEDHQGHS